The following is an entry in ClinVar:

NM_001374385.1(ATP8B1):c.2271T>A (p.Tyr757Ter)

Genes: ATP8B1 (ATPase phospholipid transporting 8B1; minus strand), ATP8B1-AS1 (ATP8B1 antisense RNA 1; plus strand). Cytogenetic location: 18q21.31.
Variant type: single nucleotide variant.
Coding change: c.2271T>A on transcript NM_001374385.1 (MANE Select); coding-DNA position 2271, T replaced by A.
Protein change: p.Tyr757Ter; replaces tyrosine 757 with a stop codon.
Molecular consequence: nonsense.
Genome position (GRCh38, 1-based): chr18:57,667,106, A>T on the plus strand (T>A on the coding strand, the complement: ATP8B1 is on the minus strand). VCF-style: chr18-57667106-A-T. GRCh37 (hg19) VCF-style: chr18-55334338-A-T.
Other names: c.2121T>A, p.Tyr707Ter (NM_001374386.1); c.2271T>A, p.Tyr757Ter (NM_005603.6); short protein forms Y707*, Y757*.
Identifiers: ClinVar variation 4846317 (VCV004846317.1).
Genomic context (GRCh38, chr18:57,667,106, plus strand): 5'-CAAAGATGAGCTATTACGTAATTTCATACTGCAGGCTTTTACTCACTTAATATCCTCCCC[A>T]TAGCAGATGGTGGTGTCTTCAGTCAGAAGTTCACAAGCAAATCCTATATTTTCAGCAGTT-3'

ClinVar aggregate classification (germline): Pathogenic (1 of 4 stars; one submission).

Conditions:
Familial intrahepatic cholestasis. Identifiers: Orphanet 284385, MedGen CN296401, MONDO:0017290.

Submission:

Genomenon, Inc
Classification: Pathogenic for Familial intrahepatic cholestasis. Last evaluated: 2026-04-14. Review status: criteria provided, single submitter. Criteria: Genomenon Sequence Variant Interpretation Standards - Updated. Collection method: curation. Allele origin: germline. Affected: yes.
Comment: ATP8B1 p.Tyr757Ter (c.2271T>A) is a nonsense variant that introduces a premature stop codon at amino acid position 757, creating a truncated protein that is predicted to undergo nonsense-mediated mRNA decay. This variant has been observed in at least one proband with features of ATP8B1-deficiency (PMID:20232290). It is absent or not present at a significant frequency in gnomAD. In conclusion, we classify ATP8B1 p.Tyr757Ter (c.2271T>A) as a pathogenic variant.

Literature cited by the submitters: PubMed 20232290.